The following is an entry in ClinVar:

NM_000219.6(KCNE1):c.21A>G (p.Thr7=)

Gene: KCNE1 (potassium voltage-gated channel subfamily E regulatory subunit 1; minus strand). Cytogenetic location: 21q22.12.
Variant type: single nucleotide variant.
Coding change: c.21A>G on transcript NM_000219.6 (MANE Select); coding-DNA position 21, A replaced by G.
Protein change: p.Thr7=; no amino-acid change (threonine 7 retained).
Molecular consequence: synonymous variant.
Genome position (GRCh38, 1-based): chr21:34,449,614, T>C on the plus strand (A>G on the coding strand, the complement: KCNE1 is on the minus strand). VCF-style: chr21-34449614-T-C. GRCh37 (hg19) VCF-style: chr21-35821912-T-C.
Other names: c.21A>G, p.Thr7= (NM_001127668.4, NM_001127669.4, NM_001127670.4 and 4 more transcripts).
Identifiers: ClinVar variation 3374339 (VCV003374339.2).

Conditions:
Long QT syndrome 5 (LQT5). Identifiers: Orphanet 101016, Orphanet 768, MedGen C1867904, MONDO:0013372, OMIM 613695.

Submission:

Roden Lab, Vanderbilt University Medical Center
No classification provided (evidence only). Condition: Long QT syndrome 5. Review status: no classification provided. Collection method: in vitro. Allele origin: not applicable. Functional consequence: Effect on ion channel function.
ClinVar note: "not provided" was previously submitted as the classification for the variant. However, the classification appeared to be based only on an observation of functional data so it was converted to no classification on 2025-07-30.